The following is an entry in ClinVar:

ClinVar aggregate classification (germline): Pathogenic (1 of 4 stars; one submission).

Conditions:
Glycogen storage disease type III (GSD3). Also called: FORBES DISEASE; Cori disease. Identifiers: Orphanet 366, MedGen C0017922, MONDO:0009291, OMIM 232400.

Submission:

Labcorp Genetics (formerly Invitae), Labcorp
Classification: Pathogenic for Glycogen storage disease type III. Last evaluated: 2024-04-02. Review status: criteria provided, single submitter. Criteria: Invitae Variant Classification Sherloc (09022015). Collection method: clinical testing. Allele origin: germline.
Comment: This sequence change affects a donor splice site in intron 33 of the AGL gene. While this variant is not anticipated to result in nonsense mediated decay, it likely alters RNA splicing and results in a disrupted protein product. This variant is not present in population databases (gnomAD no frequency). This variant has not been reported in the literature in individuals affected with AGL-related conditions. Variants that disrupt the consensus splice site are a relatively common cause of aberrant splicing (PMID: 17576681, 9536098). Algorithms developed to predict the effect of sequence changes on RNA splicing suggest that this variant may disrupt the consensus splice site. This variant disrupts a region of the AGL protein in which other variant(s) (p.Tyr1510*) have been determined to be pathogenic (PMID: 8990006, 20071996, 20490926, 23430490). This suggests that this is a clinically significant region of the protein, and that variants that disrupt it are likely to be disease-causing. For these reasons, this variant has been classified as Pathogenic.

Literature cited by the submitters: PubMed 17576681; PubMed 9536098; PubMed 8990006; PubMed 20071996; PubMed 20490926; PubMed 23430490.

NM_000642.3(AGL):c.4481+1G>T

Gene: AGL (amylo-alpha-1,6-glucosidase and 4-alpha-glucanotransferase; plus strand). Cytogenetic location: 1p21.2.
Variant type: single nucleotide variant.
Coding change: c.4481+1G>T on transcript NM_000642.3 (MANE Select); the canonical splice donor site of the intron after coding-DNA position 4481, G replaced by T.
Molecular consequence: splice donor variant.
Genome position (GRCh38, 1-based): chr1:99,916,732, G>T. VCF-style: chr1-99916732-G-T. GRCh37 (hg19) VCF-style: chr1-100382288-G-T.
Other names: c.4481+1G>T (NM_000643.3, NM_000644.3, NM_001425325.1 and 1 more transcripts); c.4433+1G>T (NM_000646.3); c.4460+1G>T (NM_001425326.1); c.4280+1G>T (NM_001425327.1); c.4277+1G>T (NM_001425328.1); c.4142+1G>T (NM_001425329.1); c.4103+1G>T (NM_001425332.1).
Identifiers: ClinVar variation 3648411 (VCV003648411.2).
Genomic context (GRCh38, chr1:99,916,732, plus strand): 5'-TGCAAAGACTATAGTTTTGGTTAAAAATGTTCTTTCCCGACATTATGTTCATCTTGAGAG[G>T]TAAGTCATCAGGAGCATGTAATTTCCATAACTAGTGTTTAGTCAGTTTATTAGCTATTAG-3'